The following is an entry in ClinVar:

NM_001080467.3(MYO5B):c.3277-2A>G

Gene: MYO5B (myosin VB; minus strand). Cytogenetic location: 18q21.1.
Variant type: single nucleotide variant.
Coding change: c.3277-2A>G on transcript NM_001080467.3 (MANE Select); the canonical splice acceptor site of the intron before coding-DNA position 3277, A replaced by G.
Molecular consequence: splice acceptor variant.
Genome position (GRCh38, 1-based): chr18:49,877,884, T>C on the plus strand (A>G on the coding strand, the complement: MYO5B is on the minus strand). VCF-style: chr18-49877884-T-C. GRCh37 (hg19) VCF-style: chr18-47404254-T-C.
Identifiers: ClinVar variation 973894 (VCV000973894.9), dbSNP rs1212171741, ClinGen allele CA402428654.

ClinVar aggregate classification (germline): Pathogenic/Likely pathogenic. Review status: criteria provided, multiple submitters, no conflicts (2 of 4 stars). 2 submissions from 2 submitters: Pathogenic (1); Likely pathogenic (1). Last evaluated 2021-05-11.

Conditions:
Congenital microvillous atrophy (DIAR2). Also called: Microvillus inclusion disease; Diarrhea 2 with microvillus atrophy, with or without cholestasis; MICROVILLUS ATROPHY, CONGENITAL; CONGENITAL FAMILIAL PROTRACTED DIARRHEA WITH ENTEROCYTE BRUSH-BORDER ABNORMALITIES; DAVIDSON DISEASE. Identifiers: Orphanet 2290, MedGen C0341306, MONDO:0009635, OMIM 251850.

Allele frequency attached by ClinVar (database versions not stated): gnomAD exomes below 0.00001; TOPMed below 0.00001; gnomAD 0.00001.
gnomAD v4.1: 3 of 1,614,018 alleles (0.00019%); highest among the groups gnomAD compares: African/African-American, 0.0027%; no homozygotes.

Submissions (2):

Labcorp Genetics (formerly Invitae), Labcorp
Classification: Pathogenic. Last evaluated: 2021-05-11. Review status: criteria provided, single submitter. Criteria: Invitae Variant Classification Sherloc (09022015). Collection method: clinical testing. Allele origin: germline.
Comment: This sequence change affects an acceptor splice site in intron 24 of the MYO5B gene. It is expected to disrupt RNA splicing. Variants that disrupt the donor or acceptor splice site typically lead to a loss of protein function (PMID: 16199547), and loss-of-function variants in MYO5B are known to be pathogenic (PMID: 18724368, 20186687). This variant is not present in population databases (ExAC no frequency). This variant has been observed in individual(s) with clinical features of microvillus inclusion disease (Invitae). In at least one individual the data is consistent with the variant being in trans (on the opposite chromosome) from a pathogenic variant. ClinVar contains an entry for this variant (Variation ID: 973894). Algorithms developed to predict the effect of sequence changes on RNA splicing suggest that this variant may disrupt the consensus splice site, but this prediction has not been confirmed by published transcriptional studies. For these reasons, this variant has been classified as Pathogenic.

Johns Hopkins Genomics, Johns Hopkins University
Classification: Likely pathogenic for Congenital microvillous atrophy. Last evaluated: 2020-02-20. Review status: criteria provided, single submitter. Criteria: ACMG Guidelines, 2015. Collection method: clinical testing. Allele origin: germline.
Comment: MYO5B c.3277-2A>G (rs1212171741) is rare (<0.1%) in large population datasets (gnomAD: 1/31404 total alleles, MAF 0.0003%), and has not been reported in ClinVar nor the literature, to our knowledge. This variant destroys a canonical splice acceptor site and is predicted to cause abnormal gene splicing. We consider this variant to be likely pathogenic.

Literature cited by the submitters: PubMed 16199547 (cited by Labcorp Genetics (formerly Invitae), Labcorp); PubMed 18724368 (cited by Labcorp Genetics (formerly Invitae), Labcorp and Johns Hopkins Genomics, Johns Hopkins University); PubMed 20186687 (cited by Labcorp Genetics (formerly Invitae), Labcorp and Johns Hopkins Genomics, Johns Hopkins University); PubMed 24014347 (cited by Johns Hopkins Genomics, Johns Hopkins University); PubMed 29266534 (cited by Johns Hopkins Genomics, Johns Hopkins University).